The following is an entry in ClinVar:

ClinVar aggregate classification (germline): Pathogenic (3 of 4 stars; one submission).

Conditions:
RPGR-related retinopathy. Also called: RPGR retinopathy. Identifiers: MedGen CN305589, MONDO:0100437.

Submission:

ClinGen X-linked Inherited Retinal Disease Variant Curation Expert Panel, ClinGen
Classification: Pathogenic for RPGR-related retinopathy. Last evaluated: 2026-11-20. Review status: reviewed by expert panel. Criteria: ClinGen X LinkedIRD ACMG Specifications RPGR V1.0.0. Collection method: curation. Allele origin: germline. Inheritance: X-linked inheritance.
Comment: NM_001034853.2(RPGR):c.2293del (p.Glu765ArgfsTer?) is a frameshift variant caused by a 1-nucleotide deletion, which introduces a premature stop codon within exon 15 of 15 that is predicted to disrupt a critical C-terminal region required for proper glutamylation of RPGR (PVS1, PMID: 36445968). This variant is absent from hemizygous individuals in gnomAD v4.1.2 (PM2_Supporting). In summary, this variant is classified as pathogenic for RPGR-related retinopathy based on the ClinGen X-linked Inherited Retinal Disease Expert Panel Specifications to the ACMG/AMP Variant Interpretation Guidelines for RPGR Version 1.0.0: PVS1, PM2_Supporting, and PP4.

NM_001034853.2(RPGR):c.2293del (p.Glu765fs)

Gene: RPGR (retinitis pigmentosa GTPase regulator; minus strand). Cytogenetic location: Xp11.4.
Variant type: Deletion.
Coding change: c.2293del on transcript NM_001034853.2 (MANE Select); coding-DNA position 2293, one base deleted (G; older notation c.2293delG).
Protein change: p.Glu765fs; shifts the reading frame from glutamic acid 765.
Molecular consequence: frameshift variant. On other transcripts: intron variant (8).
Genome position (GRCh38, 1-based): chrX:38,286,706, C deleted on the plus strand (G on the coding strand, the reverse complement: RPGR is on the minus strand); the first of 2 consecutive C bases (chrX:38,286,706-38,286,707); deleting either gives the same sequence. VCF-style (leftmost placement, unchanged base first): chrX-38286705-TC-T. GRCh37 (hg19) VCF-style: chrX-38145958-TC-T.
Other names: NM_001034853.2:c.2293del; c.1569+4253del (NM_001367249.1, NM_001367250.1); c.1902+388del (NM_001367245.1); c.1386+4253del (NM_001367251.1); c.1719+388del (NM_001367246.1); c.1572+4253del (NM_001367247.1); c.1905+388del (NM_000328.3); c.1602+4253del (NM_001367248.1); short protein forms E765fs.
Identifiers: ClinVar variation 5043505 (VCV005043505.1).